The following is an entry in ClinVar:

ClinVar aggregate classification (germline): Uncertain significance (1 of 4 stars; one submission).

Conditions:
Autoimmune lymphoproliferative syndrome type 2A (ALPS2A). Also called: AUTOIMMUNE LYMPHOPROLIFERATIVE SYNDROME, TYPE IIA; Autoimmune lymphoproliferative syndrome type 2; CASP10-Related Autoimmune Lymphoproliferative Syndrome. Identifiers: Orphanet 3261, MedGen C1858968, MONDO:0011383, OMIM 603909.

Allele frequency attached by ClinVar (database versions not stated): gnomAD exomes below 0.00001.
gnomAD v4.1: 4 of 1,614,112 alleles (0.00025%); highest among the groups gnomAD compares: Admixed American, 0.005%; no homozygotes.

Submission:

Labcorp Genetics (formerly Invitae), Labcorp
Classification: Uncertain significance for Autoimmune lymphoproliferative syndrome type 2A. Last evaluated: 2024-06-12. Review status: criteria provided, single submitter. Criteria: Invitae Variant Classification Sherloc (09022015). Collection method: clinical testing. Allele origin: germline.
Comment: This sequence change replaces isoleucine, which is neutral and non-polar, with valine, which is neutral and non-polar, at codon 126 of the CASP10 protein (p.Ile126Val). This variant is present in population databases (no rsID available, gnomAD 0.003%). This variant has not been reported in the literature in individuals affected with CASP10-related conditions. ClinVar contains an entry for this variant (Variation ID: 1447584). Advanced modeling of protein sequence and biophysical properties (such as structural, functional, and spatial information, amino acid conservation, physicochemical variation, residue mobility, and thermodynamic stability) performed at Invitae indicates that this missense variant is not expected to disrupt CASP10 protein function with a negative predictive value of 80%. In summary, the available evidence is currently insufficient to determine the role of this variant in disease. Therefore, it has been classified as a Variant of Uncertain Significance.

NM_032977.4(CASP10):c.376A>G (p.Ile126Val)

Gene: CASP10 (caspase 10; plus strand). Cytogenetic location: 2q33.1.
Variant type: single nucleotide variant.
Coding change: c.376A>G on transcript NM_032977.4 (MANE Select); coding-DNA position 376, A replaced by G.
Protein change: p.Ile126Val; replaces isoleucine 126 with valine.
Molecular consequence: missense variant.
Genome position (GRCh38, 1-based): chr2:201,187,734, A>G. VCF-style: chr2-201187734-A-G. GRCh37 (hg19) VCF-style: chr2-202052457-A-G.
Other names: c.376A>G, p.Ile126Val (NM_001206524.2, NM_001206542.2, NM_001230.5 and 3 more transcripts); short protein forms I126V.
Identifiers: ClinVar variation 1447584 (VCV001447584.8), dbSNP rs1391900340, ClinGen allele CA350278180.